The following is an entry in ClinVar:

ClinVar aggregate classification (germline): Uncertain significance. Review status: criteria provided, multiple submitters, no conflicts (2 of 4 stars). 2 submissions from 2 submitters: Uncertain significance (2). Last evaluated 2022-10-13.

Conditions:
Glycogen storage disease, type II (IOPD). Also called: Pompe Disease; GLYCOGENOSIS, GENERALIZED, CARDIAC FORM; GSD II; Glycogen storage disease type 2; Acid maltase deficiency disease; POMPE DISEASE, INFANTILE-ONSET. Identifiers: Orphanet 365, MedGen C0017921, MONDO:0009290, OMIM 232300.

Allele frequency attached by ClinVar (database versions not stated): gnomAD exomes below 0.00001; TOPMed 0.00001.
gnomAD v4.1: 7 of 1,612,716 alleles (0.00043%); highest among the groups gnomAD compares: Admixed American, 0.0033%; no homozygotes.

Submissions (2):

Labcorp Genetics (formerly Invitae), Labcorp
Classification: Uncertain significance for Glycogen storage disease, type II. Last evaluated: 2022-10-13. Review status: criteria provided, single submitter. Criteria: Invitae Variant Classification Sherloc (09022015). Collection method: clinical testing. Allele origin: germline.
Comment: This sequence change replaces alanine, which is neutral and non-polar, with threonine, which is neutral and polar, at codon 382 of the GAA protein (p.Ala382Thr). The frequency data for this variant in the population databases is considered unreliable, as metrics indicate poor data quality at this position in the gnomAD database. This variant has not been reported in the literature in individuals affected with GAA-related conditions. ClinVar contains an entry for this variant (Variation ID: 849979). Advanced modeling of protein sequence and biophysical properties (such as structural, functional, and spatial information, amino acid conservation, physicochemical variation, residue mobility, and thermodynamic stability) performed at Invitae indicates that this missense variant is not expected to disrupt GAA protein function. In summary, the available evidence is currently insufficient to determine the role of this variant in disease. Therefore, it has been classified as a Variant of Uncertain Significance.

Blueprint Genetics
Classification: Uncertain significance. Last evaluated: 2021-09-21. Review status: criteria provided, single submitter. Criteria: ACMG Guidelines, 2015. Collection method: clinical testing. Allele origin: germline.

NM_000152.5(GAA):c.1144G>A (p.Ala382Thr)

Gene: GAA (alpha glucosidase; plus strand). Cytogenetic location: 17q25.3.
Variant type: single nucleotide variant.
Coding change: c.1144G>A on transcript NM_000152.5 (MANE Select); coding-DNA position 1144, G replaced by A.
Protein change: p.Ala382Thr; replaces alanine 382 with threonine.
Molecular consequence: missense variant.
Genome position (GRCh38, 1-based): chr17:80,108,557, G>A. VCF-style: chr17-80108557-G-A. GRCh37 (hg19) VCF-style: chr17-78082356-G-A.
Other names: c.1144G>A, p.Ala382Thr (NM_001079803.3, NM_001079804.3); short protein forms A382T.
Identifiers: ClinVar variation 849979 (VCV000849979.4), dbSNP rs1193750279, ClinGen allele CA401365040.